The following is an entry in ClinVar:

ClinVar aggregate classification (germline): Uncertain significance. Review status: criteria provided, multiple submitters, no conflicts (2 of 4 stars). 2 submissions from 2 submitters: Uncertain significance (2). Last evaluated 2026-01-04.

Conditions:
Hereditary cancer-predisposing syndrome. Also called: Neoplastic Syndromes, Hereditary; Tumor predisposition; Hereditary Cancer Syndrome; Hereditary neoplastic syndrome. Identifiers: Orphanet 140162, MedGen C0027672, MeSH D009386, MONDO:0015356.
Gastrointestinal stromal tumor. Also called: Gastrointestinal stromal tumor, somatic; Gastrointestinal stroma tumor. Identifiers: Orphanet 44890, MedGen C0238198, MeSH D046152, MONDO:0011719, OMIM 606764, HP:0100723.

Allele frequency attached by ClinVar (database versions not stated): ExAC 0.00001; gnomAD exomes below 0.00001.
gnomAD v4.1: 1 of 1,613,882 alleles (0.000062%); highest among the groups gnomAD compares: South Asian, 0.0011%; no homozygotes.

Submissions (2):

Labcorp Genetics (formerly Invitae), Labcorp
Classification: Uncertain significance for Gastrointestinal stromal tumor. Last evaluated: 2026-01-04. Review status: criteria provided, single submitter. Criteria: Invitae Variant Classification Sherloc (09022015). Collection method: clinical testing. Allele origin: germline.
Comment: This sequence change replaces threonine, which is neutral and polar, with asparagine, which is neutral and polar, at codon 181 of the PDGFRA protein (p.Thr181Asn). This variant is present in population databases (rs746299618, gnomAD 0.003%). This variant has not been reported in the literature in individuals affected with PDGFRA-related conditions. ClinVar contains an entry for this variant (Variation ID: 844451). Invitae Evidence Modeling of protein sequence and biophysical properties (such as structural, functional, and spatial information, amino acid conservation, physicochemical variation, residue mobility, and thermodynamic stability) indicates that this missense variant is not expected to disrupt PDGFRA protein function with a negative predictive value of 80%. In summary, the available evidence is currently insufficient to determine the role of this variant in disease. Therefore, it has been classified as a Variant of Uncertain Significance.

Ambry Genetics
Classification: Uncertain significance for Hereditary cancer-predisposing syndrome. Last evaluated: 2021-11-14. Review status: criteria provided, single submitter. Criteria: Ambry Variant Classification Scheme 2023. Collection method: clinical testing. Allele origin: germline.
Comment: The p.T181N variant (also known as c.542C>A), located in coding exon 3 of the PDGFRA gene, results from a C to A substitution at nucleotide position 542. The threonine at codon 181 is replaced by asparagine, an amino acid with similar properties. This amino acid position is conserved. In addition, this alteration is predicted to be tolerated by in silico analysis. Since supporting evidence is limited at this time, the clinical significance of this alteration remains unclear.

NM_006206.6(PDGFRA):c.542C>A (p.Thr181Asn)

Gene: PDGFRA (platelet derived growth factor receptor alpha; plus strand). Cytogenetic location: 4q12.
Variant type: single nucleotide variant.
Coding change: c.542C>A on transcript NM_006206.6 (MANE Select); coding-DNA position 542, C replaced by A.
Protein change: p.Thr181Asn; replaces threonine 181 with asparagine.
Molecular consequence: missense variant.
Genome position (GRCh38, 1-based): chr4:54,263,841, C>A. VCF-style: chr4-54263841-C-A. GRCh37 (hg19) VCF-style: chr4-55130008-C-A.
Other names: c.542C>A, p.Thr181Asn (NM_001347827.2, NM_001347829.2); c.617C>A, p.Thr206Asn (NM_001347828.2); c.581C>A, p.Thr194Asn (NM_001347830.2); short protein forms T181N, T206N, T194N.
Identifiers: ClinVar variation 844451 (VCV000844451.12), dbSNP rs746299618, ClinGen allele CA2922309.